The following is an entry in ClinVar:

ClinVar aggregate classification (germline): Uncertain significance (1 of 4 stars; one submission).

Submission:

GeneDx
Classification: Uncertain significance. Last evaluated: 2026-01-22. Review status: criteria provided, single submitter. Criteria: GeneDx Variant Classification Process June 2021. Collection method: clinical testing. Allele origin: germline.
Comment: Not observed at significant frequency in large population cohorts (gnomAD); In silico analysis supports that this missense variant has a deleterious effect on protein structure/function; Has not been previously published as pathogenic or benign to our knowledge

NM_014974.3(DIP2C):c.3521G>A (p.Arg1174Lys)

Gene: DIP2C (DIP2 acetate--CoA ligase C (putative); minus strand). Cytogenetic location: 10p15.3.
Variant type: single nucleotide variant.
Coding change: c.3521G>A on transcript NM_014974.3 (MANE Select); coding-DNA position 3521, G replaced by A.
Protein change: p.Arg1174Lys; replaces arginine 1174 with lysine.
Molecular consequence: missense variant.
Genome position (GRCh38, 1-based): chr10:341,262, C>T on the plus strand (G>A on the coding strand, the complement: DIP2C is on the minus strand). VCF-style: chr10-341262-C-T. GRCh37 (hg19) VCF-style: chr10-387202-C-T.
Other names: short protein forms R1174K.
Identifiers: ClinVar variation 4975340 (VCV004975340.1).